The following is an entry in ClinVar:

NM_017637.6(BNC2):c.2711C>T (p.Ser904Leu)

Gene: BNC2 (basonuclin zinc finger protein 2; minus strand). Cytogenetic location: 9p22.3.
Variant type: single nucleotide variant.
Coding change: c.2711C>T on transcript NM_017637.6 (MANE Select); coding-DNA position 2711, C replaced by T.
Protein change: p.Ser904Leu; replaces serine 904 with leucine.
Molecular consequence: missense variant. On other transcripts: 3 prime UTR variant (1).
Genome position (GRCh38, 1-based): chr9:16,419,578, G>A on the plus strand (C>T on the coding strand, the complement: BNC2 is on the minus strand). VCF-style: chr9-16419578-G-A. GRCh37 (hg19) VCF-style: chr9-16419576-G-A.
Other names: c.*55C>T (NM_001317939.2); c.2426C>T, p.Ser809Leu (NM_001317940.2); short protein forms S809L, S904L.
Identifiers: ClinVar variation 2595431 (VCV002595431.5), dbSNP rs542038873, ClinGen allele CA4995712.
Genomic context (GRCh38, chr9:16,419,578, plus strand): 5'-TGGGCACCATATATCTTCACCAAAAATTCATCGCGGAGGTCCTTGCTAAGGGAGGGCTGC[G>A]ACGAGTCCAGGCCCATGTCATCGAGTTCTTTGGTCAACAGTTTACGATGTAGGTTTATGT-3'
Protein context (NP_060107.3, residues 894-914): KELDDMGLDS[Ser904Leu]QPSLSKDLRD

ClinVar aggregate classification (germline): Uncertain significance. Review status: criteria provided, multiple submitters, no conflicts (2 of 4 stars). 2 submissions from 2 submitters: Uncertain significance (2). Last evaluated 2023-07-30.

Conditions:
Inborn genetic diseases. Identifiers: MedGen C0950123, MeSH D030342.

Allele frequency attached by ClinVar (database versions not stated): gnomAD exomes 0.00001; TOPMed 0.00002; gnomAD 0.00003; ExAC 0.00005; 1000 Genomes Project 30x 0.00031; 1000 Genomes Project 0.00040.
gnomAD v4.1: 27 of 1,606,278 alleles (0.0017%); highest among the groups gnomAD compares: East Asian, 0.02%; no homozygotes.

Submissions (2):

Ambry Genetics
Classification: Uncertain significance for Inborn genetic diseases. Last evaluated: 2023-07-30. Review status: criteria provided, single submitter. Criteria: Ambry Variant Classification Scheme 2023. Collection method: clinical testing. Allele origin: germline.

Labcorp Genetics (formerly Invitae), Labcorp
Classification: Uncertain significance. Last evaluated: 2023-03-27. Review status: criteria provided, single submitter. Criteria: Invitae Variant Classification Sherloc (09022015). Collection method: clinical testing. Allele origin: germline.
Comment: This variant has not been reported in the literature in individuals affected with BNC2-related conditions. An algorithm developed to predict the effect of missense changes on protein structure and function (PolyPhen-2) suggests that this variant is likely to be tolerated. In summary, the available evidence is currently insufficient to determine the role of this variant in disease. Therefore, it has been classified as a Variant of Uncertain Significance. This sequence change replaces serine, which is neutral and polar, with leucine, which is neutral and non-polar, at codon 904 of the BNC2 protein (p.Ser904Leu). This variant is present in population databases (rs542038873, gnomAD 0.04%).